The following is an entry in ClinVar:

NM_000236.3(LIPC):c.808+19_808+20delinsAA

Gene: LIPC (lipase C, hepatic type; plus strand). Cytogenetic location: 15q21.3.
Variant type: Indel.
Coding change: c.808+19_808+20delinsAA on transcript NM_000236.3 (MANE Select); bases 19 to 20 of the intron after coding-DNA position 808, GC replaced by AA.
Molecular consequence: intron variant.
Genome position (GRCh38, 1-based): chr15:58,545,994-58,545,995, GC replaced by AA. VCF-style: chr15-58545994-GC-AA. GRCh37 (hg19) VCF-style: chr15-58838193-GC-AA.
Identifiers: ClinVar variation 3676680 (VCV003676680.2).

ClinVar aggregate classification (germline): Uncertain significance (1 of 4 stars; one submission).

Submission:

Labcorp Genetics (formerly Invitae), Labcorp
Classification: Uncertain significance. Last evaluated: 2025-05-19. Review status: criteria provided, single submitter. Criteria: Invitae Variant Classification Sherloc (09022015). Collection method: clinical testing. Allele origin: germline.
Comment: This sequence change falls in intron 5 of the LIPC gene. It does not directly change the encoded amino acid sequence of the LIPC protein. Information on the frequency of this variant in the gnomAD database is not available, as this variant may be reported differently in the database. This variant has not been reported in the literature in individuals affected with LIPC-related conditions. ClinVar contains an entry for this variant (Variation ID: 3676680). Experimental studies and prediction algorithms are not available or were not evaluated, and the effect of this variant on mRNA splicing is currently unknown. In summary, the available evidence is currently insufficient to determine the role of this variant in disease. Therefore, it has been classified as a Variant of Uncertain Significance.